The following is an entry in ClinVar:

NM_001844.5(COL2A1):c.1997G>A (p.Gly666Glu)

Gene: COL2A1 (collagen type II alpha 1 chain; minus strand). Cytogenetic location: 12q13.11.
Variant type: single nucleotide variant.
Coding change: c.1997G>A on transcript NM_001844.5 (MANE Select); coding-DNA position 1997, G replaced by A.
Protein change: p.Gly666Glu; replaces glycine 666 with glutamic acid.
Molecular consequence: missense variant.
Genome position (GRCh38, 1-based): chr12:47,983,437, C>T on the plus strand (G>A on the coding strand, the complement: COL2A1 is on the minus strand). VCF-style: chr12-47983437-C-T. GRCh37 (hg19) VCF-style: chr12-48377220-C-T.
Other names: c.1790G>A, p.Gly597Glu (NM_033150.3); short protein forms G597E, G666E.
Identifiers: ClinVar variation 4685495 (VCV004685495.1).

ClinVar aggregate classification (germline): Pathogenic (1 of 4 stars; one submission).

Conditions:
Kniest dysplasia. Identifiers: Orphanet 485, MedGen C0265279, MONDO:0007987, OMIM 156550.

gnomAD v4.1: 1 of 1,614,076 alleles (0.000062%); highest among the groups gnomAD compares: Non-Finnish European, 0.000085%; no homozygotes.

Submission:

Imagene.me medical diagnostic laboratory, IMAGENE.ME SA
Classification: Pathogenic for Kniest dysplasia. Review status: criteria provided, single submitter. Criteria: IMAGENE.ME Variant Classification SOP 2022. Collection method: clinical testing. Allele origin: germline. Affected: yes.
Comment: Classified according to the IMAGENE.ME variant classification SOP based on the ACMG guidelines as Pathogenic (P): PM1_Strong + PM2 + PM5_Supporting + PP3_Moderate + PP2 + PP4